The following is an entry in ClinVar:

ClinVar aggregate classification (germline): Uncertain significance. Review status: criteria provided, multiple submitters, no conflicts (2 of 4 stars). 2 submissions from 2 submitters: Uncertain significance (2). Last evaluated 2025-11-18.

Allele frequency attached by ClinVar (database versions not stated): gnomAD exomes 0.00002 and 0.00004; ExAC 0.00004; gnomAD 0.00009 and 0.00010; TOPMed 0.00009; ESP Exome Variant Server 0.00015.
gnomAD v4.1: 48 of 1,613,752 alleles (0.003%); highest among the groups gnomAD compares: African/African-American, 0.028%; no homozygotes.

Submissions (2):

Labcorp Genetics (formerly Invitae), Labcorp
Classification: Uncertain significance. Last evaluated: 2025-11-18. Review status: criteria provided, single submitter. Criteria: Invitae Variant Classification Sherloc (09022015). Collection method: clinical testing. Allele origin: germline.
Comment: This sequence change creates a premature translational stop signal (p.Arg318*) in the NEK2 gene. It is expected to result in an absent or disrupted protein product. However, the current clinical and genetic evidence is not sufficient to establish whether loss-of-function variants in NEK2 cause disease. This variant is present in population databases (rs146817802, gnomAD 0.02%). This variant has not been reported in the literature in individuals affected with NEK2-related conditions. ClinVar contains an entry for this variant (Variation ID: 1026253). In summary, the available evidence is currently insufficient to determine the role of this variant in disease. Therefore, it has been classified as a Variant of Uncertain Significance.

Blueprint Genetics
Classification: Uncertain significance. Last evaluated: 2024-07-17. Review status: criteria provided, single submitter. Criteria: ACMG Guidelines, 2015. Collection method: clinical testing. Allele origin: germline.

NM_002497.4(NEK2):c.952C>T (p.Arg318Ter)

Gene: NEK2 (NIMA related kinase 2; minus strand). Cytogenetic location: 1q32.3.
Variant type: single nucleotide variant.
Coding change: c.952C>T on transcript NM_002497.4 (MANE Select); coding-DNA position 952, C replaced by T.
Protein change: p.Arg318Ter; replaces arginine 318 with a stop codon.
Molecular consequence: nonsense.
Genome position (GRCh38, 1-based): chr1:211,669,146, G>A on the plus strand (C>T on the coding strand, the complement: NEK2 is on the minus strand). VCF-style: chr1-211669146-G-A. GRCh37 (hg19) VCF-style: chr1-211842488-G-A.
Other names: c.952C>T, p.Arg318Ter (NM_001204182.2, NM_001204183.2); short protein forms R318*.
Identifiers: ClinVar variation 1026253 (VCV001026253.9), dbSNP rs146817802, ClinGen allele CA1381556.